The following is an entry in ClinVar:

ClinVar aggregate classification (germline): Uncertain significance (1 of 4 stars; one submission).

Conditions:
Hereditary cancer-predisposing syndrome. Also called: Neoplastic Syndromes, Hereditary; Hereditary Cancer Syndrome; Tumor predisposition; Hereditary neoplastic syndrome. Identifiers: Orphanet 140162, MedGen C0027672, MeSH D009386, MONDO:0015356.

Submission:

Ambry Genetics
Classification: Uncertain significance for Hereditary cancer-predisposing syndrome. Last evaluated: 2022-11-18. Review status: criteria provided, single submitter. Criteria: Ambry Variant Classification Scheme 2023. Collection method: clinical testing. Allele origin: germline.
Comment: The p.A12V variant (also known as c.35C>T), located in coding exon 1 of the HOXB13 gene, results from a C to T substitution at nucleotide position 35. The alanine at codon 12 is replaced by valine, an amino acid with similar properties. This amino acid position is conserved. In addition, this alteration is predicted to be tolerated by in silico analysis. Since supporting evidence is limited at this time, the clinical significance of this alteration remains unclear.

NM_006361.6(HOXB13):c.35C>T (p.Ala12Val)

Gene: HOXB13 (homeobox B13; minus strand). Cytogenetic location: 17q21.32.
Variant type: single nucleotide variant.
Coding change: c.35C>T on transcript NM_006361.6 (MANE Select); coding-DNA position 35, C replaced by T.
Protein change: p.Ala12Val; replaces alanine 12 with valine.
Molecular consequence: missense variant.
Genome position (GRCh38, 1-based): chr17:48,728,559, G>A on the plus strand (C>T on the coding strand, the complement: HOXB13 is on the minus strand). VCF-style: chr17-48728559-G-A. GRCh37 (hg19) VCF-style: chr17-46805921-G-A.
Other names: short protein forms A12V.
Identifiers: ClinVar variation 2448866 (VCV002448866.2), dbSNP rs1597935311, ClinGen allele CA400109838.
Genomic context (GRCh38, chr17:48,728,559, plus strand): 5'-GGGGAGTGGGCGACCAGATTCCGCCCCCCTCCCGCTCCCAGCAAGCCTTCGATATCCTTG[G>A]CTCCATCCAAGGTGGCATAATTGCCGGGCTCCATGGAGCCGAGGGTCGGCTCATGAGGTG-3'
Protein context (NP_006352.2, residues 2-22): EPGNYATLDG[Ala12Val]KDIEGLLGAG